The following is an entry in ClinVar:

ClinVar aggregate classification (germline): Pathogenic (1 of 4 stars; one submission).

Conditions:
Intellectual developmental disorder, autosomal dominant 1. Also called: Intellectual disability, autosomal dominant 1; MBD5 Haploinsufficiency. Identifiers: Orphanet 228402, MedGen C1969562, MONDO:0007974, OMIM 156200.

Allele frequency attached by ClinVar (database versions not stated): gnomAD exomes below 0.00001.

Submission:

Labcorp Genetics (formerly Invitae), Labcorp
Classification: Pathogenic for Intellectual developmental disorder, autosomal dominant 1. Last evaluated: 2022-04-15. Review status: criteria provided, single submitter. Criteria: Invitae Variant Classification Sherloc (09022015). Collection method: clinical testing. Allele origin: germline.
Comment: For these reasons, this variant has been classified as Pathogenic. This variant has not been reported in the literature in individuals affected with MBD5-related conditions. This variant is present in population databases (no rsID available, gnomAD 0.0009%). This sequence change creates a premature translational stop signal (p.Arg1031*) in the MBD5 gene. It is expected to result in an absent or disrupted protein product. Loss-of-function variants in MBD5 are known to be pathogenic (PMID: 23422940, 23587880).

Literature cited by the submitters: PubMed 23422940; PubMed 23587880.

NM_001378120.1(MBD5):c.3790A>T (p.Arg1264Ter)

Gene: MBD5 (methyl-CpG binding domain protein 5; plus strand). Cytogenetic location: 2q23.1.
Variant type: single nucleotide variant.
Coding change: c.3790A>T on transcript NM_001378120.1 (MANE Select); coding-DNA position 3790, A replaced by T.
Protein change: p.Arg1264Ter; replaces arginine 1264 with a stop codon.
Molecular consequence: nonsense.
Genome position (GRCh38, 1-based): chr2:148,489,422, A>T. VCF-style: chr2-148489422-A-T. GRCh37 (hg19) VCF-style: chr2-149246991-A-T.
Other names: c.3091A>T, p.Arg1031Ter (NM_018328.5); short protein forms R1264*, R1031*.
Identifiers: ClinVar variation 1456069 (VCV001456069.6), dbSNP rs1450731543, ClinGen allele CA348724975.
Genomic context (GRCh38, chr2:148,489,422, plus strand): 5'-CTGCTTCCTGTCTATTTCTTCAAGGTGAGAATGCAGGAAGATGCAGCTCTCCTAAACAAA[A>T]GAATAAGCACTCAGCCTGGGCTCACAGCACTTCCTGAGAATCCAAACACTACACTTCCAC-3'